The following is an entry in ClinVar:

ClinVar aggregate classification (germline): Likely benign. Review status: criteria provided, multiple submitters, no conflicts (2 of 4 stars). 2 submissions from 2 submitters: Likely benign (2). Last evaluated 2026-04-02.

Conditions:
Wolman disease (WOLD). Also called: Wolman disease with hypolipoproteinemia and acanthocytosis; Infantile-Onset LAL-D (Wolman Disease); Acid cholesteryl ester hydrolase deficiency, Wolman type; Acid lipase disease; LYSOSOMAL ACID LIPASE DEFICIENCY, ACUTE INFANTILE; LYSOSOMAL ACID LIPASE DEFICIENCY, COMPLETE. Identifiers: Orphanet 75233, MedGen C0043208, MONDO:0019148, OMIM 620151.
LIPA-related disorder. Also called: LIPA-related disorders; LIPA-related condition.

Submissions (2):

PreventionGenetics, part of Exact Sciences
Classification: Likely benign for LIPA-related condition. Last evaluated: 2026-04-02. Review status: criteria provided, single submitter. Criteria: ACMG Guidelines, 2015. Collection method: clinical testing. Allele origin: germline.
Comment: This variant is classified as likely benign based on ACMG/AMP sequence variant interpretation guidelines (Richards et al. 2015 PMID: 25741868, with internal and published modifications).

Labcorp Genetics (formerly Invitae), Labcorp
Classification: Likely benign for Wolman disease. Last evaluated: 2023-06-04. Review status: criteria provided, single submitter. Criteria: Invitae Variant Classification Sherloc (09022015). Collection method: clinical testing. Allele origin: germline.

NM_000235.4(LIPA):c.676-9A>G

Gene: LIPA (lipase A, lysosomal acid type; minus strand). Cytogenetic location: 10q23.31.
Variant type: single nucleotide variant.
Coding change: c.676-9A>G on transcript NM_000235.4 (MANE Select); 9 bases into the intron before coding-DNA position 676, A replaced by G.
Molecular consequence: intron variant.
Genome position (GRCh38, 1-based): chr10:89,223,839, T>C on the plus strand (A>G on the coding strand, the complement: LIPA is on the minus strand). VCF-style: chr10-89223839-T-C. GRCh37 (hg19) VCF-style: chr10-90983596-T-C.
Other names: c.676-9A>G (NM_000235.3, NM_001127605.3); c.328-9A>G (NM_001288979.2).
Identifiers: ClinVar variation 1161739 (VCV001161739.10), dbSNP rs2133427412, ClinGen allele CA2499220479.